The following is an entry in ClinVar:

ClinVar aggregate classification (germline): Likely benign (1 of 4 stars; one submission).

Submission:

CeGaT Center for Human Genetics Tuebingen
Classification: Likely benign. Last evaluated: 2025-12-01. Review status: criteria provided, single submitter. Criteria: CeGaT Center For Human Genetics Tuebingen Variant Classification Criteria Version 2. Collection method: clinical testing. Allele origin: germline. Affected: yes. Observed: 1 variant allele.
Comment: SLC2A1: PM2:Supporting, BP4, BP7

NM_006516.4(SLC2A1):c.459T>C (p.Arg153=)

Gene: SLC2A1 (solute carrier family 2 member 1; minus strand). Cytogenetic location: 1p34.2.
Variant type: single nucleotide variant.
Coding change: c.459T>C on transcript NM_006516.4 (MANE Select); coding-DNA position 459, T replaced by C.
Protein change: p.Arg153=; no amino-acid change (arginine 153 retained).
Molecular consequence: synonymous variant.
Genome position (GRCh38, 1-based): chr1:42,930,683, A>G on the plus strand (T>C on the coding strand, the complement: SLC2A1 is on the minus strand). VCF-style: chr1-42930683-A-G. GRCh37 (hg19) VCF-style: chr1-43396354-A-G.
Identifiers: ClinVar variation 4681750 (VCV004681750.5).